The following is an entry in ClinVar:

NM_006648.4(WNK2):c.2846C>T (p.Thr949Ile)

Gene: WNK2 (WNK lysine deficient protein kinase 2; plus strand). Cytogenetic location: 9q22.31.
Variant type: single nucleotide variant.
Coding change: c.2846C>T on transcript NM_006648.4 (MANE Select); coding-DNA position 2846, C replaced by T.
Protein change: p.Thr949Ile; replaces threonine 949 with isoleucine.
Molecular consequence: missense variant.
Genome position (GRCh38, 1-based): chr9:93,259,394, C>T. VCF-style: chr9-93259394-C-T. GRCh37 (hg19) VCF-style: chr9-96021676-C-T.
Other names: c.2846C>T, p.Thr949Ile (NM_001282394.3); short protein forms T949I.
Identifiers: ClinVar variation 3470588 (VCV003470588.1).

ClinVar aggregate classification (germline): Uncertain significance (1 of 4 stars; one submission).

gnomAD v4.1: 1 of 1,601,704 alleles (0.000062%); highest among the groups gnomAD compares: Non-Finnish European, 0.000085%; no homozygotes.

Submission:

Ambry Genetics
Classification: Uncertain significance. Last evaluated: 2024-12-04. Review status: criteria provided, single submitter. Criteria: Ambry Variant Classification Scheme 2023. Collection method: clinical testing. Allele origin: germline.
Comment: The p.T949I variant (also known as c.2846C>T), located in coding exon 11 of the WNK2 gene, results from a C to T substitution at nucleotide position 2846. The threonine at codon 949 is replaced by isoleucine, an amino acid with similar properties. This amino acid position is conserved. In addition, this alteration is predicted to be tolerated by in silico analysis. Based on the available evidence, the clinical significance of this variant remains unclear.